The following is an entry in ClinVar:

NM_133261.3(GIPC3):c.245A>G (p.Asn82Ser)

Gene: GIPC3 (GIPC PDZ domain containing family member 3; plus strand). Cytogenetic location: 19p13.3.
Variant type: single nucleotide variant.
Coding change: c.245A>G on transcript NM_133261.3 (MANE Select); coding-DNA position 245, A replaced by G.
Protein change: p.Asn82Ser; replaces asparagine 82 with serine.
Molecular consequence: missense variant.
Genome position (GRCh38, 1-based): chr19:3,586,514, A>G. VCF-style: chr19-3586514-A-G. GRCh37 (hg19) VCF-style: chr19-3586512-A-G.
Other names: short protein forms N82S.
Identifiers: ClinVar variation 506266 (VCV000506266.9), dbSNP rs747242422, ClinGen allele CA9080355.

ClinVar aggregate classification (germline): Conflicting classifications of pathogenicity. Review status: criteria provided, conflicting classifications (1 of 4 stars). 5 submissions from 5 submitters: Pathogenic (1); Likely pathogenic (2); Uncertain significance (2). Last evaluated 2026-06-29.

Conditions:
Monogenic hearing loss.
Autosomal recessive nonsyndromic hearing loss 15. Also called: DEAFNESS, AUTOSOMAL RECESSIVE 15; DEAFNESS, AUTOSOMAL RECESSIVE 72; DEAFNESS, AUTOSOMAL RECESSIVE 95. Identifiers: Orphanet 90636, MedGen C1866094, MONDO:0011160, OMIM 601869.
GIPC3-related disorders.

Allele frequency attached by ClinVar (database versions not stated): gnomAD below 0.00001 and 0.00001; TOPMed below 0.00001; gnomAD exomes 0.00002; ExAC 0.00004.
gnomAD v4.1: 34 of 1,613,572 alleles (0.0021%); highest among the groups gnomAD compares: South Asian, 0.031%; no homozygotes.

Submissions (5):

Genetics Laboratory, Great Ormond Street Hospital NHS Foundation Trust, North Thames Genomic Laboratory Hub
Classification: Likely pathogenic for Monogenic hearing loss. Last evaluated: 2026-06-29. Review status: criteria provided, single submitter. Criteria: ACGS Best Practice Guidelines for Variant Classification in Rare Disease 2024 v1.2. Collection method: clinical testing. Allele origin: germline. Affected: yes.
Comment: PM2_moderate, PP3_supporting, PP1_strong, PM3_moderate

Blueprint Genetics
Classification: Pathogenic for GIPC3-related disorders. Last evaluated: 2024-04-17. Review status: criteria provided, single submitter. Criteria: ACMG Guidelines, 2015. Collection method: clinical testing. Allele origin: germline. Affected: yes. Observed: 2 variant alleles.

Neuberg Centre For Genomic Medicine, NCGM
Classification: Uncertain significance for Autosomal recessive nonsyndromic hearing loss 15. Last evaluated: 2023-06-22. Review status: criteria provided, single submitter. Criteria: ACMG Guidelines, 2015. Collection method: clinical testing. Allele origin: germline. Inheritance: Autosomal recessive inheritance. Affected: yes.
Comment: The observed missense variant c.245A>G(p.Asn82Ser) in GIPC3 gene has been reported previously in a family with hearing loss (Bitarafan F, et al., 2020). This variant is reported with 0.003% allele frequency in gnomAD Exomes. It has been submitted to ClinVar as Uncertain Significance. Multiple lines of computational evidence (Polyphen-Probably damaging, SIFT-damaging and Mutation Taster-disease causing) predict a damaging effect on protein structure and function for this variant. The amino acid Asn at position 82 is changed to a Ser changing protein sequence and it might alter its composition and physico-chemical properties. The reference amino acid p.Asn82Ser in GIPC3 is predicted as conserved by GERP++ and PhyloP across 100 vertebrates. For these reasons, this variant has been classified as Uncertain Significance.

Laboratory for Molecular Medicine, Mass General Brigham Personalized Medicine
Classification: Uncertain significance. Last evaluated: 2018-01-09. Review status: criteria provided, single submitter. Criteria: LMM Criteria. Collection method: clinical testing. Allele origin: germline. Observed: 1 variant allele.
Comment: The p.Asn82Ser variant in GIPC3 has not been previously reported in individuals with hearing loss. It has been identified in 9/30778 South Asian chromosomes by the Genome Aggregation Database (gnomAD; dbSNP rs747242422). Although this variant has been seen in the general population, i ts frequency is not high enough to rule out a pathogenic role. Computational pre diction tools and conservation analyses suggest that this variant may impact the protein, though this information is not predictive enough to determine pathogen icity. In summary, the clinical significance of the p.Asn82Ser variant is uncert ain. ACMG/AMP Criteria applied: PP3.

Juno Genomics, Hangzhou Juno Genomics, Inc
Classification: Likely pathogenic for Autosomal recessive nonsyndromic hearing loss 15. Review status: criteria provided, single submitter. Criteria: ACMG Guidelines, 2015. Collection method: clinical testing. Allele origin: germline. Affected: yes.
Comment: Absent from controls (or at extremely low frequency if recessive) in Genome Aggregation Database, Exome Sequencing Project, 1000 Genomes Project, or Exome Aggregation Consortium.;For recessive disorders, detected in trans with a pathogenic variant.;Co-segregation with disease in multiple affected family members in a gene definitively known to cause the disease.;Patient's phenotype or family history is highly specific for a disease with a single genetic etiology.